The following is an entry in ClinVar:

NM_000535.7(PMS2):c.702G>A (p.Lys234=)

Gene: PMS2 (PMS1 homolog 2, mismatch repair system component; minus strand). Cytogenetic location: 7p22.1.
Variant type: single nucleotide variant.
Coding change: c.702G>A on transcript NM_000535.7 (MANE Select); coding-DNA position 702, G replaced by A.
Protein change: p.Lys234=; no amino-acid change (lysine 234 retained).
Molecular consequence: synonymous variant. On other transcripts: 5 prime UTR variant (2), non-coding transcript variant (1), intron variant (1).
Genome position (GRCh38, 1-based): chr7:5,999,111, C>T on the plus strand (G>A on the coding strand, the complement: PMS2 is on the minus strand). VCF-style: chr7-5999111-C-T. GRCh37 (hg19) VCF-style: chr7-6038742-C-T.
Other names: c.297G>A, p.Lys99= (NM_001322003.2, NM_001322004.2, NM_001322005.2 and 2 more transcripts); c.702G>A, p.Lys234= (NM_001322006.2, NM_001322014.2); c.384G>A, p.Lys128= (NM_001322007.2, NM_001322008.2); c.-232G>A (NM_001322011.2, NM_001322012.2); c.393G>A, p.Lys131= (NM_001322015.2); c.133-1688G>A (NM_001322013.2); c.702G>A (NM_000535.6).
Identifiers: ClinVar variation 233412 (VCV000233412.19), dbSNP rs876660388, ClinGen allele CA10578700.

ClinVar aggregate classification (germline): Benign/Likely benign. Review status: criteria provided, multiple submitters, no conflicts (2 of 4 stars). 6 submissions from 6 submitters: Benign (1); Likely benign (5). Last evaluated 2025-07-06.

Conditions:
Lynch syndrome 4 (LYNCH4). Also called: Colorectal cancer, hereditary nonpolyposis, type 4; Hereditary non-polyposis colorectal cancer, type 4. Identifiers: Orphanet 144, MedGen C1838333, MONDO:0013699, OMIM 614337. Disease mechanism: loss of function.
Hereditary nonpolyposis colorectal neoplasms. Identifiers: MedGen C0009405, MeSH D003123.
Hereditary cancer-predisposing syndrome. Also called: Neoplastic Syndromes, Hereditary; Tumor predisposition; Hereditary Cancer Syndrome; Hereditary neoplastic syndrome. Identifiers: Orphanet 140162, MedGen C0027672, MeSH D009386, MONDO:0015356.

Allele frequency attached by ClinVar (database versions not stated): gnomAD exomes 0.00001 and 0.00002.
gnomAD v4.1: 4 of 1,614,080 alleles (0.00025%); highest among the groups gnomAD compares: Admixed American, 0.0067%; no homozygotes.

Submissions (6):

Labcorp Genetics (formerly Invitae), Labcorp
Classification: Likely benign for Hereditary nonpolyposis colorectal neoplasms. Last evaluated: 2025-07-06. Review status: criteria provided, single submitter. Criteria: Invitae Variant Classification Sherloc (09022015). Collection method: clinical testing. Allele origin: germline.

Myriad Genetics, Inc.
Classification: Benign for Lynch syndrome 4. Last evaluated: 2025-01-27. Review status: criteria provided, single submitter. Criteria: Myriad Autosomal Dominant, Autosomal Recessive and X-Linked Classification Criteria (2023). Collection method: clinical testing. Allele origin: unknown.
Comment: This variant is considered benign. This variant is a silent/synonymous amino acid change and it is not expected to impact splicing.

Quest Diagnostics Nichols Institute San Juan Capistrano
Classification: Likely benign. Last evaluated: 2022-10-22. Review status: criteria provided, single submitter. Criteria: Quest Diagnostics criteria. Collection method: clinical testing. Allele origin: unknown.

Color Diagnostics, LLC DBA Color Health
Classification: Likely benign for Hereditary cancer-predisposing syndrome. Last evaluated: 2018-10-30. Review status: criteria provided, single submitter. Criteria: ACMG Guidelines, 2015. Collection method: clinical testing. Allele origin: germline.

GeneDx
Classification: Likely benign. Last evaluated: 2016-04-26. Review status: criteria provided, single submitter. Criteria: GeneDx Variant Classification (06012015). Collection method: clinical testing. Allele origin: germline. Affected: yes.
Comment: This variant is considered likely benign or benign based on one or more of the following criteria: it is a conservative change, it occurs at a poorly conserved position in the protein, it is predicted to be benign by multiple in silico algorithms, and/or has population frequency not consistent with disease.

Ambry Genetics
Classification: Likely benign for Hereditary cancer-predisposing syndrome. Last evaluated: 2015-08-15. Review status: criteria provided, single submitter. Criteria: Ambry Variant Classification Scheme 2023. Collection method: clinical testing. Allele origin: germline.